The following is an entry in ClinVar:

NM_000193.4(SHH):c.908C>T (p.Ala303Val)

Gene: SHH (sonic hedgehog signaling molecule; minus strand). Cytogenetic location: 7q36.3.
Variant type: single nucleotide variant.
Coding change: c.908C>T on transcript NM_000193.4 (MANE Select); coding-DNA position 908, C replaced by T.
Protein change: p.Ala303Val; replaces alanine 303 with valine.
Molecular consequence: missense variant. On other transcripts: intron variant (1).
Genome position (GRCh38, 1-based): chr7:155,803,381, G>A on the plus strand (C>T on the coding strand, the complement: SHH is on the minus strand). VCF-style: chr7-155803381-G-A. GRCh37 (hg19) VCF-style: chr7-155596075-G-A.
Other names: c.301+2915C>T (NM_001310462.2); short protein forms A303V.
Identifiers: ClinVar variation 2803380 (VCV002803380.3), dbSNP rs2535893400, ClinGen allele CA370145738.

ClinVar aggregate classification (germline): Uncertain significance (1 of 4 stars; one submission).

Conditions:
Holoprosencephaly 3 (HPE3). Identifiers: Orphanet 2162, MedGen C1840529, MONDO:0007733, OMIM 142945.

gnomAD v4.1: 3 of 1,472,866 alleles (0.0002%); highest among the groups gnomAD compares: Non-Finnish European, 0.00027%; no homozygotes.

Submission:

Labcorp Genetics (formerly Invitae), Labcorp
Classification: Uncertain significance for Holoprosencephaly 3. Last evaluated: 2023-05-29. Review status: criteria provided, single submitter. Criteria: Invitae Variant Classification Sherloc (09022015). Collection method: clinical testing. Allele origin: germline.
Comment: This variant is not present in population databases (gnomAD no frequency). In summary, the available evidence is currently insufficient to determine the role of this variant in disease. Therefore, it has been classified as a Variant of Uncertain Significance. Advanced modeling of protein sequence and biophysical properties (such as structural, functional, and spatial information, amino acid conservation, physicochemical variation, residue mobility, and thermodynamic stability) performed at Invitae indicates that this missense variant is not expected to disrupt SHH protein function. This variant has not been reported in the literature in individuals affected with SHH-related conditions. This sequence change replaces alanine, which is neutral and non-polar, with valine, which is neutral and non-polar, at codon 303 of the SHH protein (p.Ala303Val).